The following is an entry in ClinVar:

ClinVar aggregate classification (germline): Likely pathogenic (1 of 4 stars; one submission).

Submission:

GeneDx
Classification: Likely pathogenic. Last evaluated: 2025-09-19. Review status: criteria provided, single submitter. Criteria: GeneDx Variant Classification Process June 2021. Collection method: clinical testing. Allele origin: germline. Affected: yes.
Comment: Canonical splice site variant predicted to result in an in-frame loss of the adjacent exon in a gene for which loss of function is a known mechanism of disease; Not observed at significant frequency in large population cohorts (gnomAD); Has not been previously published as pathogenic or benign to our knowledge; This variant is associated with the following publications: (PMID: 21139634, 26094131)

NM_014946.4(SPAST):c.503-1G>T

Gene: SPAST (spastin; plus strand). Cytogenetic location: 2p22.3.
Variant type: single nucleotide variant.
Coding change: c.503-1G>T on transcript NM_014946.4 (MANE Select); the canonical splice acceptor site of the intron before coding-DNA position 503, G replaced by T.
Molecular consequence: splice acceptor variant.
Genome position (GRCh38, 1-based): chr2:32,089,521, G>T. VCF-style: chr2-32089521-G-T. GRCh37 (hg19) VCF-style: chr2-32314590-G-T.
Other names: c.503-1G>T (NM_199436.2, NM_001377959.1); c.500-1G>T (NM_001363823.2, NM_001363875.2).
Identifiers: ClinVar variation 4813916 (VCV004813916.1).